The following is an entry in ClinVar:

NM_000277.3(PAH):c.1054G>T (p.Gly352Cys)

Gene: PAH (phenylalanine hydroxylase; minus strand). Cytogenetic location: 12q23.2.
Variant type: single nucleotide variant.
Coding change: c.1054G>T on transcript NM_000277.3 (MANE Select); coding-DNA position 1054, G replaced by T.
Protein change: p.Gly352Cys; replaces glycine 352 with cysteine.
Molecular consequence: missense variant.
Genome position (GRCh38, 1-based): chr12:102,844,347, C>A on the plus strand (G>T on the coding strand, the complement: PAH is on the minus strand). VCF-style: chr12-102844347-C-A. GRCh37 (hg19) VCF-style: chr12-103238125-C-A.
Other names: NM_000277.1(PAH):c.1054G>T; p.Gly352Cys; c.1054G>T, p.Gly352Cys (NM_001354304.2); short protein forms G352C.
Identifiers: ClinVar variation 102497 (VCV000102497.9), dbSNP rs62508686, ClinGen allele CA229309.
Genomic context (GRCh38, chr12:102,844,347, plus strand): 5'-CTGTACCCACCACTTTTAAATCTATCCTTGGTTCCTGTGAAGGTCATACCTGTAATTCAC[C>A]AAAGGATGACAGGAGCCCAGCACCATATGCCTTTATGGAGTCTCCTTGTTTGCAGAGCCC-3'
Protein context (NP_000268.1, residues 342-362): AYGAGLLSSF[Gly352Cys]ELQYCLSEKP

ClinVar aggregate classification (germline): Pathogenic. Review status: reviewed by expert panel (3 of 4 stars). 5 submissions from 5 submitters: Pathogenic (1). 4 of the submissions do not count toward it. Last evaluated 2025-11-29.

Conditions:
Phenylketonuria (PKU). Also called: Phenylketonuria (PKU); FOLLING DISEASE; OLIGOPHRENIA PHENYLPYRUVICA; Phenylketonurias. Identifiers: Orphanet 716, MedGen C0031485, MONDO:0009861, OMIM 261600. Disease mechanism: loss of function.

gnomAD v4.1: 1 of 1,611,198 alleles (0.000062%); no homozygotes.

Submissions (5):

ClinGen PAH Variant Curation Expert Panel
Classification: Pathogenic for Phenylketonuria. Last evaluated: 2025-11-29. Review status: reviewed by expert panel. Criteria: ClinGen PAH ACMG Specifications v1. Collection method: curation. Allele origin: germline. Inheritance: Autosomal recessive inheritance.
Comment: The c.1054G>T variant in PAH is a missense variant predicted to cause substitution of glycine by cysteine at amino acid 352 (p.Gly352Cys). At least one patient with this variant displayed plasma phenylalanine concentration persistently above 120umol/L (2mg/dL) AND normal urine pterins and normal DHPR activity excluded a defect of BH4 cofactor metabolism, which is highly specific for PAH deficiency (PP4_Moderate, PMID 16601866). Of those individuals, one was compound heterozygous for the variant and a pathogenic variant confirmed in trans by parental testing (PM3). The highest population minor allele frequency in gnomAD v4.1.0 is 0.00001602 in the remaining population, which is lower than the ClinGen PAH Variant Curation Expert Panel threshold (<0.0002) for PM2_Supporting, meeting this criterion (PM2_Supporting). The computational predictor REVEL gives a score of 0.994, which meets the threshold of 0.932, evidence that correlates with strong impact to PAH function (PP3_Strong). Another missense variant c.1054G>C (p.Gly352Arg) [ClinVar Variation ID: 102496] in the same codon has been classified as likely pathogenic for PAH deficiency by the ClinGen PAH Variant Curation Expert Panel (PM5_Supporting). In summary, this variant meets criteria to be classified as pathogenic for autosomal recessive PAH deficiency based on the ACMG/AMP criteria applied, as specified by the ClinGen PAH Variant Curation Expert Panel: PP4_Moderate, PM2_supporting, PM3, PP3_strong, PM5_supporting (PAH VCEP specifications version 2.0.0; approved July 16, 2024).

Labcorp Genetics (formerly Invitae), Labcorp
Classification: Pathogenic for Phenylketonuria. Last evaluated: 2023-10-08. Review status: criteria provided, single submitter. Criteria: Invitae Variant Classification Sherloc (09022015). Collection method: clinical testing. Allele origin: germline. Not counted in ClinVar's aggregate classification.
Comment: This sequence change replaces glycine, which is neutral and non-polar, with cysteine, which is neutral and slightly polar, at codon 352 of the PAH protein (p.Gly352Cys). This variant is not present in population databases (gnomAD no frequency). This missense change has been observed in individual(s) with PAH-related conditions (PMID: 16601866, 32668217). In at least one individual the data is consistent with being in trans (on the opposite chromosome) from a pathogenic variant. ClinVar contains an entry for this variant (Variation ID: 102497). Advanced modeling of protein sequence and biophysical properties (such as structural, functional, and spatial information, amino acid conservation, physicochemical variation, residue mobility, and thermodynamic stability) performed at Invitae indicates that this missense variant is expected to disrupt PAH protein function. For these reasons, this variant has been classified as Pathogenic.

Intergen Genetics and Rare Diseases Diagnosis Center
Classification: Likely pathogenic for Phenylketonuria. Last evaluated: 2023-09-19. Review status: criteria provided, single submitter. Criteria: ACMG Guidelines, 2015. Collection method: clinical testing. Allele origin: unknown. Inheritance: Autosomal recessive inheritance. Affected: no. Observed: 1 heterozygote. Not counted in ClinVar's aggregate classification.

Baylor Genetics
Classification: Likely pathogenic for Phenylketonuria. Last evaluated: 2022-05-03. Review status: criteria provided, single submitter. Criteria: ACMG Guidelines, 2015. Collection method: clinical testing. Allele origin: unknown. Not counted in ClinVar's aggregate classification.

DeBelle Laboratory for Biochemical Genetics, MUHC/MCH RESEARCH INSTITUTE
No classification provided. Review status: no classification provided. Collection method: not provided. Allele origin: not provided. Not counted in ClinVar's aggregate classification.

Literature cited by the submitters: PubMed 16601866 (cited by ClinGen PAH Variant Curation Expert Panel and Labcorp Genetics (formerly Invitae), Labcorp); PubMed 32668217 (cited by Labcorp Genetics (formerly Invitae), Labcorp).